The following is an entry in ClinVar:

NM_025137.4(SPG11):c.5878G>A (p.Asp1960Asn)

Gene: SPG11 (SPG11 vesicle trafficking associated, spatacsin; minus strand). Cytogenetic location: 15q21.1.
Variant type: single nucleotide variant.
Coding change: c.5878G>A on transcript NM_025137.4 (MANE Select); coding-DNA position 5878, G replaced by A.
Protein change: p.Asp1960Asn; replaces aspartic acid 1960 with asparagine.
Molecular consequence: missense variant. On other transcripts: intron variant (1).
Genome position (GRCh38, 1-based): chr15:44,575,030, C>T on the plus strand (G>A on the coding strand, the complement: SPG11 is on the minus strand). VCF-style: chr15-44575030-C-T. GRCh37 (hg19) VCF-style: chr15-44867228-C-T.
Other names: c.5867-2210G>A (NM_001160227.2); short protein forms D1960N.
Identifiers: ClinVar variation 1017778 (VCV001017778.6), dbSNP rs761271386, ClinGen allele CA7534311.

ClinVar aggregate classification (germline): Uncertain significance (1 of 4 stars; one submission).

Conditions:
Hereditary spastic paraplegia 11. Also called: SPASTIC PARAPLEGIA, AUTOSOMAL RECESSIVE, COMPLICATED, WITH THIN CORPUS CALLOSUM; SPASTIC PARAPLEGIA, AUTOSOMAL RECESSIVE, WITH MENTAL IMPAIRMENT AND THIN CORPUS CALLOSUM; Spastic Paraplegia 11; Spastic paraplegia, mental retardation and thin corpus callosum; Nakamura Osame syndrome; Autosomal recessive hereditary spastic paraplegia, mental impairment, and thin corpus callosum. Identifiers: Orphanet 2822, MedGen C1858479, MONDO:0011445, OMIM 604360.

Allele frequency attached by ClinVar (database versions not stated): gnomAD exomes below 0.00001; ExAC 0.00001.

Submission:

Labcorp Genetics (formerly Invitae), Labcorp
Classification: Uncertain significance for Hereditary spastic paraplegia 11. Last evaluated: 2021-08-26. Review status: criteria provided, single submitter. Criteria: Invitae Variant Classification Sherloc (09022015). Collection method: clinical testing. Allele origin: germline.
Comment: This sequence change replaces aspartic acid with asparagine at codon 1960 of the SPG11 protein (p.Asp1960Asn). The aspartic acid residue is moderately conserved and there is a small physicochemical difference between aspartic acid and asparagine. This variant is present in population databases (rs761271386, ExAC 0.002%). This variant has not been reported in the literature in individuals affected with SPG11-related conditions. Algorithms developed to predict the effect of missense changes on protein structure and function (SIFT, PolyPhen-2, Align-GVGD) all suggest that this variant is likely to be tolerated. In summary, the available evidence is currently insufficient to determine the role of this variant in disease. Therefore, it has been classified as a Variant of Uncertain Significance.